The following is an entry in ClinVar:

ClinVar aggregate classification (germline): Uncertain significance (1 of 4 stars; one submission).

Conditions:
Ullrich congenital muscular dystrophy 2 (UCMD2). Identifiers: Orphanet 75840, MedGen C4225314, MONDO:0014654, OMIM 616470.
Bethlem myopathy 2 (BTHLM2). Identifiers: Orphanet 536516, Orphanet 610, MedGen C4225313, MONDO:0034022, OMIM 616471.

gnomAD v4.1: 1 of 1,613,436 alleles (0.000062%); highest among the groups gnomAD compares: East Asian, 0.0022%; no homozygotes.

Submission:

Labcorp Genetics (formerly Invitae), Labcorp
Classification: Uncertain significance for Bethlem myopathy 2; Ullrich congenital muscular dystrophy 2. Last evaluated: 2024-05-07. Review status: criteria provided, single submitter. Criteria: Invitae Variant Classification Sherloc (09022015). Collection method: clinical testing. Allele origin: germline.
Comment: This sequence change replaces threonine, which is neutral and polar, with serine, which is neutral and polar, at codon 1820 of the COL12A1 protein (p.Thr1820Ser). This variant is not present in population databases (gnomAD no frequency). This variant has not been reported in the literature in individuals affected with COL12A1-related conditions. Advanced modeling of protein sequence and biophysical properties (such as structural, functional, and spatial information, amino acid conservation, physicochemical variation, residue mobility, and thermodynamic stability) performed at Invitae indicates that this missense variant is not expected to disrupt COL12A1 protein function with a negative predictive value of 80%. In summary, the available evidence is currently insufficient to determine the role of this variant in disease. Therefore, it has been classified as a Variant of Uncertain Significance.

NM_004370.6(COL12A1):c.5458A>T (p.Thr1820Ser)

Gene: COL12A1 (collagen type XII alpha 1 chain; minus strand). Cytogenetic location: 6q13.
Variant type: single nucleotide variant.
Coding change: c.5458A>T on transcript NM_004370.6 (MANE Select); coding-DNA position 5458, A replaced by T.
Protein change: p.Thr1820Ser; replaces threonine 1820 with serine.
Molecular consequence: missense variant.
Genome position (GRCh38, 1-based): chr6:75,134,792, T>A on the plus strand (A>T on the coding strand, the complement: COL12A1 is on the minus strand). VCF-style: chr6-75134792-T-A. GRCh37 (hg19) VCF-style: chr6-75844508-T-A.
Other names: c.5458A>T, p.Thr1820Ser (NM_001424113.1); c.5437A>T, p.Thr1813Ser (NM_001424114.1); c.5185A>T, p.Thr1729Ser (NM_001424115.1); c.1966A>T, p.Thr656Ser (NM_001424116.1, NM_080645.3); short protein forms T1729S, T1813S, T1820S, T656S.
Identifiers: ClinVar variation 3756235 (VCV003756235.2).